The following is an entry in ClinVar:

ClinVar aggregate classification (germline): Uncertain significance (1 of 4 stars; one submission).

Allele frequency attached by ClinVar (database versions not stated): gnomAD exomes below 0.00001; gnomAD 0.00001.
gnomAD v4.1: 3 of 1,614,034 alleles (0.00019%); highest among the groups gnomAD compares: African/African-American, 0.0027%; no homozygotes.

Submission:

Labcorp Genetics (formerly Invitae), Labcorp
Classification: Uncertain significance. Last evaluated: 2021-10-31. Review status: criteria provided, single submitter. Criteria: Invitae Variant Classification Sherloc (09022015). Collection method: clinical testing. Allele origin: germline.
Comment: Algorithms developed to predict the effect of missense changes on protein structure and function output the following: SIFT: "Tolerated"; PolyPhen-2: "Benign"; Align-GVGD: "Class C0". The leucine amino acid residue is found in multiple mammalian species, which suggests that this missense change does not adversely affect protein function. This variant has not been reported in the literature in individuals affected with TOPORS-related conditions. This variant is not present in population databases (gnomAD no frequency). This sequence change replaces phenylalanine, which is neutral and non-polar, with leucine, which is neutral and non-polar, at codon 230 of the TOPORS protein (p.Phe230Leu). In summary, the available evidence is currently insufficient to determine the role of this variant in disease. Therefore, it has been classified as a Variant of Uncertain Significance.

NM_005802.5(TOPORS):c.688T>C (p.Phe230Leu)

Gene: TOPORS (TOP1 binding arginine/serine rich protein, E3 ubiquitin ligase; minus strand). Cytogenetic location: 9p21.1.
Variant type: single nucleotide variant.
Coding change: c.688T>C on transcript NM_005802.5 (MANE Select); coding-DNA position 688, T replaced by C.
Protein change: p.Phe230Leu; replaces phenylalanine 230 with leucine.
Molecular consequence: missense variant.
Genome position (GRCh38, 1-based): chr9:32,543,837, A>G on the plus strand (T>C on the coding strand, the complement: TOPORS is on the minus strand). VCF-style: chr9-32543837-A-G. GRCh37 (hg19) VCF-style: chr9-32543835-A-G.
Other names: c.493T>C, p.Phe165Leu (NM_001195622.2); short protein forms F165L, F230L.
Identifiers: ClinVar variation 1370801 (VCV001370801.6), dbSNP rs1821106786, ClinGen allele CA373172103.